The following is an entry in ClinVar:

NM_001182.5(ALDH7A1):c.*2575T>C

Gene: ALDH7A1 (aldehyde dehydrogenase 7 family member A1; minus strand). Cytogenetic location: 5q23.2.
Variant type: single nucleotide variant.
Coding change: c.*2575T>C on transcript NM_001182.5 (MANE Select); 2575 bases downstream of the stop codon, T replaced by C.
Molecular consequence: 3 prime UTR variant.
Genome position (GRCh38, 1-based): chr5:126,542,390, A>G on the plus strand (T>C on the coding strand, the complement: ALDH7A1 is on the minus strand). VCF-style: chr5-126542390-A-G. GRCh37 (hg19) VCF-style: chr5-125878082-A-G.
Other names: c.*2575T>C (NM_001201377.2, NM_001202404.2).
Identifiers: ClinVar variation 904747 (VCV000904747.4), dbSNP rs114287342, ClinGen allele CA126880751.

ClinVar aggregate classification (germline): Benign (1 of 4 stars; one submission).

Conditions:
Pyridoxine-dependent epilepsy (EPEO4). Also called: PYRIDOXINE DEPENDENCY WITH SEIZURES; Pyridoxine-Dependent Epilepsy - ALDH7A1; EPILEPSY, EARLY-ONSET, 4, VITAMIN B6-DEPENDENT; Pyridoxine-Dependent Seizures. Identifiers: Orphanet 3006, MedGen C1849508, MONDO:0009945, OMIM 266100. Disease mechanism: loss of function.

Allele frequency attached by ClinVar (database versions not stated): 1000 Genomes Project 30x 0.00953; gnomAD 0.00729 and 0.00792; 1000 Genomes Project 0.00799; TOPMed 0.00807.

Submission:

Illumina Laboratory Services, Illumina
Classification: Benign for Pyridoxine-dependent epilepsy. Last evaluated: 2018-01-12. Review status: criteria provided, single submitter. Criteria: ICSL Variant Classification Criteria 13 December 2019. Collection method: clinical testing. Allele origin: germline.
Comment: This variant was observed in the ICSL laboratory as part of a predisposition screen in an ostensibly healthy population. It had not been previously curated by ICSL or reported in the Human Gene Mutation Database (HGMD: prior to June 1st, 2018), and was therefore a candidate for classification through an automated scoring system. Utilizing variant allele frequency, disease prevalence and penetrance estimates, and inheritance mode, an automated score was calculated to assess if this variant is too frequent to cause the disease. Based on the score and internal cut-off values, a variant classified as benign is not then subjected to further curation. The score for this variant resulted in a classification of benign for this disease.